The following is an entry in ClinVar:

ClinVar aggregate classification (germline): Uncertain significance (1 of 4 stars; one submission).

Submission:

GeneDx
Classification: Uncertain significance. Last evaluated: 2026-02-25. Review status: criteria provided, single submitter. Criteria: GeneDx Variant Classification Process June 2021. Collection method: clinical testing. Allele origin: germline.
Comment: Not observed at significant frequency in large population cohorts (gnomAD); In silico analysis supports that this missense variant has a deleterious effect on protein structure/function; Has not been previously published as pathogenic or benign to our knowledge

NM_006060.6(IKZF1):c.134A>G (p.Gln45Arg)

Gene: IKZF1 (IKAROS family zinc finger 1; plus strand). Cytogenetic location: 7p12.2.
Variant type: single nucleotide variant.
Coding change: c.134A>G on transcript NM_006060.6 (MANE Select); coding-DNA position 134, A replaced by G.
Protein change: p.Gln45Arg; replaces glutamine 45 with arginine.
Molecular consequence: missense variant.
Genome position (GRCh38, 1-based): chr7:50,327,731, A>G. VCF-style: chr7-50327731-A-G. GRCh37 (hg19) VCF-style: chr7-50367327-A-G.
Other names: c.134A>G, p.Gln45Arg (NM_001220765.3, NM_001220767.2, NM_001220768.2 and 14 more transcripts); short protein forms Q45R.
Identifiers: ClinVar variation 5008012 (VCV005008012.1).